The following is an entry in ClinVar:

NM_203447.4(DOCK8):c.53+28T>C

Genes: DOCK8 (dedicator of cytokinesis 8; plus strand), DOCK8-AS1 (DOCK8 antisense RNA 1; minus strand). Cytogenetic location: 9p24.3.
Variant type: single nucleotide variant.
Coding change: c.53+28T>C on transcript NM_203447.4 (MANE Select); 28 bases into the intron after coding-DNA position 53, T replaced by C.
Molecular consequence: intron variant. On other transcripts: non-coding transcript variant (1).
Genome position (GRCh38, 1-based): chr9:215,057, T>C. VCF-style: chr9-215057-T-C. GRCh37 (hg19) VCF-style: chr9-215057-T-C.
Identifiers: ClinVar variation 673270 (VCV000673270.4), dbSNP rs481905, ClinGen allele CA4956938.

ClinVar aggregate classification (germline): Benign. Review status: criteria provided, multiple submitters, no conflicts (2 of 4 stars). 3 submissions from 3 submitters: Benign (3). Last evaluated 2023-11-14.

Allele frequency attached by ClinVar (database versions not stated): ESP Exome Variant Server 0.42916; gnomAD exomes 0.54990; gnomAD 0.56560 and 0.56822; TOPMed 0.58213; ExAC 0.58309; 1000 Genomes Project 0.64157; 1000 Genomes Project 30x 0.64460.
gnomAD v4.1: 808,977 of 1,554,490 alleles (52%); highest among the groups gnomAD compares: East Asian, 72%; 213,906 homozygotes.

Submissions (3):

Unidad de Genómica Garrahan, Hospital de Pediatría Garrahan
Classification: Benign. Last evaluated: 2023-11-14. Review status: criteria provided, single submitter. Criteria: ACMG Guidelines, 2015. Collection method: clinical testing. Allele origin: germline. Affected: no. Observed: 63 variant alleles.
Comment: This variant is classified as Benign based on local population frequency. This variant was detected in 66% of patients studied by a panel of primary immunodeficiencies. Number of patients: 63. Only high quality variants are reported.

GeneDx
Classification: Benign. Last evaluated: 2018-06-14. Review status: criteria provided, single submitter. Criteria: GeneDx Variant Classification (06012015). Collection method: clinical testing. Allele origin: germline. Affected: yes.
Comment: This variant is considered likely benign or benign based on one or more of the following criteria: it is a conservative change, it occurs at a poorly conserved position in the protein, it is predicted to be benign by multiple in silico algorithms, and/or has population frequency not consistent with disease.

Breakthrough Genomics
Classification: Benign. Review status: criteria provided, single submitter. Criteria: ACMG Guidelines, 2015. Collection method: not provided. Allele origin: germline. Inheritance: Autosomal recessive inheritance. Affected: yes.